The following is an entry in ClinVar:

NM_015512.5(DNAH1):c.11685del (p.Met3895fs)

Gene: DNAH1 (dynein axonemal heavy chain 1; plus strand). Cytogenetic location: 3p21.1.
Variant type: Deletion.
Coding change: c.11685del on transcript NM_015512.5 (MANE Select); coding-DNA position 11685, one base deleted (G; older notation c.11685delG).
Protein change: p.Met3895fs; shifts the reading frame from methionine 3895.
Molecular consequence: frameshift variant.
Genome position (GRCh38, 1-based): chr3:52,396,942, G deleted. VCF-style (leftmost placement, unchanged base first): chr3-52396941-TG-T. GRCh37 (hg19) VCF-style: chr3-52430957-TG-T.
Other names: short protein forms M3895fs.
Identifiers: ClinVar variation 3763643 (VCV003763643.2).

ClinVar aggregate classification (germline): Pathogenic (1 of 4 stars; one submission).

Conditions:
Spermatogenic failure 18. Identifiers: MedGen C4539783, MONDO:0054615, OMIM 617576.
Ciliary dyskinesia, primary, 37 (CILD37). Also called: CILIARY DYSKINESIA, PRIMARY, 37, WITH OR WITHOUT SITUS INVERSUS. Identifiers: MedGen C4539798, MONDO:0033204, OMIM 617577.

Submission:

Labcorp Genetics (formerly Invitae), Labcorp
Classification: Pathogenic for Ciliary dyskinesia, primary, 37; Spermatogenic failure 18. Last evaluated: 2024-06-29. Review status: criteria provided, single submitter. Criteria: Invitae Variant Classification Sherloc (09022015). Collection method: clinical testing. Allele origin: germline.
Comment: This sequence change creates a premature translational stop signal (p.Met3895Ilefs*93) in the DNAH1 gene. It is expected to result in an absent or disrupted protein product. Loss-of-function variants in DNAH1 are known to be pathogenic (PMID: 27573432, 27798045). This variant is not present in population databases (gnomAD no frequency). This variant has not been reported in the literature in individuals affected with DNAH1-related conditions. For these reasons, this variant has been classified as Pathogenic.

Literature cited by the submitters: PubMed 27573432; PubMed 27798045.